The following is an entry in ClinVar:

NM_005548.3(KARS1):c.1152_1177dup (p.Arg393fs)

Gene: KARS1 (lysyl-tRNA synthetase 1; minus strand). Cytogenetic location: 16q23.1.
Variant type: Duplication.
Coding change: c.1152_1177dup on transcript NM_005548.3 (MANE Select); coding-DNA positions 1152 to 1177, 26 bases duplicated (TGTTGACTTCACCCCACCCTTCCGGC).
Protein change: p.Arg393fs; shifts the reading frame from arginine 393.
Molecular consequence: frameshift variant.
Genome position (GRCh38, 1-based): chr16:75,631,491-75,631,516, GCCGGAAGGGTGGGGTGAAGTCAACA duplicated on the plus strand (TGTTGACTTCACCCCACCCTTCCGGC on the coding strand, the reverse complement: KARS1 is on the minus strand). VCF-style (leftmost placement, unchanged base first): chr16-75631490-C-CGCCGGAAGGGTGGGGTGAAGTCAACA. GRCh37 (hg19) VCF-style: chr16-75665388-C-CGCCGGAAGGGTGGGGTGAAGTCAACA.
Other names: c.1236_1261dup26 (NM_001130089.1); c.1236_1261dup, p.Arg421fs (NM_001130089.2); c.684_709dup, p.Arg237fs (NM_001378148.1); short protein forms R237fs, R393fs, R421fs.
Identifiers: ClinVar variation 2630614 (VCV002630614.1), dbSNP rs1431954464, ClinGen allele CA723961534.

ClinVar aggregate classification (germline): Likely pathogenic (1 of 4 stars; one submission).

Conditions:
KARS1-related disorder. Also called: KARS1-related disorders.

Allele frequency attached by ClinVar (database versions not stated): gnomAD exomes below 0.00001; TOPMed below 0.00001; gnomAD 0.00001.

Submission:

PreventionGenetics, part of Exact Sciences
Classification: Likely pathogenic for KARS1-related condition. Last evaluated: 2023-02-15. Review status: criteria provided, single submitter. Criteria: ACMG Guidelines, 2015. Collection method: clinical testing. Allele origin: germline.
Comment: The KARS1 c.1236_1261dup26 variant is predicted to result in a frameshift and premature protein termination (p.Arg421Leufs*14). To our knowledge, this variant has not been reported in the literature or in a large population database, indicating this variant is rare. Frameshift variants in KARS1 are expected to be pathogenic. This variant is interpreted as likely pathogenic.